The following is an entry in ClinVar:

NM_001853.4(COL9A3):c.1870dup (p.Gln624fs)

Gene: COL9A3 (collagen type IX alpha 3 chain; plus strand). Cytogenetic location: 20q13.33.
Variant type: Duplication.
Coding change: c.1870dup on transcript NM_001853.4 (MANE Select); coding-DNA position 1870, one base duplicated (C; older notation c.1870dupC).
Protein change: p.Gln624fs; shifts the reading frame from glutamine 624.
Molecular consequence: frameshift variant.
Genome position (GRCh38, 1-based): chr20:62,840,547, C duplicated; the last of 4 consecutive C bases (chr20:62,840,544-62,840,547); duplicating any one gives the same sequence. VCF-style (leftmost placement, unchanged base first): chr20-62840543-A-AC. GRCh37 (hg19) VCF-style: chr20-61471895-A-AC.
Other names: short protein forms Q624fs.
Identifiers: ClinVar variation 1420068 (VCV001420068.6), dbSNP rs2147235587, ClinGen allele CA2573157326.

ClinVar aggregate classification (germline): Uncertain significance (1 of 4 stars; one submission).

Submission:

Labcorp Genetics (formerly Invitae), Labcorp
Classification: Uncertain significance. Last evaluated: 2022-10-18. Review status: criteria provided, single submitter. Criteria: Invitae Variant Classification Sherloc (09022015). Collection method: clinical testing. Allele origin: germline.
Comment: This sequence change results in a frameshift in the COL9A3 gene (p.Gln624Profs*129). While this is not anticipated to result in nonsense mediated decay, it is expected to disrupt the last 61 amino acid(s) of the COL9A3 protein and extend the protein by 67 additional amino acid residues. This variant is not present in population databases (gnomAD no frequency). This variant has not been reported in the literature in individuals affected with COL9A3-related conditions. ClinVar contains an entry for this variant (Variation ID: 1420068). In summary, the available evidence is currently insufficient to determine the role of this variant in disease. Therefore, it has been classified as a Variant of Uncertain Significance.